The following is an entry in ClinVar:

NM_002834.5(PTPN11):c.1498C>G (p.Gln500Glu)

Gene: PTPN11 (protein tyrosine phosphatase non-receptor type 11; plus strand). Cytogenetic location: 12q24.13.
Variant type: single nucleotide variant.
Coding change: c.1498C>G on transcript NM_002834.5 (MANE Select); coding-DNA position 1498, C replaced by G.
Protein change: p.Gln500Glu; replaces glutamine 500 with glutamic acid.
Molecular consequence: missense variant.
Genome position (GRCh38, 1-based): chr12:112,489,074, C>G. VCF-style: chr12-112489074-C-G. GRCh37 (hg19) VCF-style: chr12-112926878-C-G.
Other names: c.1498C>G (NM_002834.3); c.1510C>G, p.Gln504Glu (NM_001330437.2); c.1495C>G, p.Gln499Glu (NM_001374625.1); short protein forms Q504E, Q500E, Q499E.
Identifiers: ClinVar variation 1463473 (VCV001463473.12), dbSNP rs2038714548, ClinGen allele CA386779820.

ClinVar aggregate classification (germline): Uncertain significance. Review status: criteria provided, multiple submitters, no conflicts (2 of 4 stars). 4 submissions from 4 submitters: Uncertain significance (4). Last evaluated 2024-02-27.

Conditions:
RASopathy. Also called: rasopathies; Noonan spectrum disorder. Identifiers: Orphanet 536391, MedGen C5555857, MONDO:0021060.
Juvenile myelomonocytic leukemia (JMML). Also called: LEUKEMIA, JUVENILE MYELOMONOCYTIC, SOMATIC. Identifiers: Orphanet 86834, MedGen C0349639, MONDO:0011908, OMIM 607785, HP:0012209.
LEOPARD syndrome 1 (LPRD1). Also called: LENTIGINOSIS, CARDIOMYOPATHIC; MULTIPLE LENTIGINES SYNDROME; PTPN11-Related LEOPARD Syndrome. Identifiers: Orphanet 500, MedGen C4551484, MONDO:0100082, OMIM 151100.
Noonan syndrome 1 (NS1). Also called: FEMALE PSEUDO-TURNER SYNDROME; TURNER PHENOTYPE WITH NORMAL KARYOTYPE; PTPN11-Related Noonan Syndrome. Identifiers: Orphanet 648, MedGen C4551602, MONDO:0008104, OMIM 163950. Disease mechanism: gain of function.
Metachondromatosis (METCDS). Identifiers: Orphanet 2499, MedGen C0410530, MONDO:0007979, OMIM 156250.

Allele frequency attached by ClinVar (database versions not stated): TOPMed below 0.00001.

Submissions (4):

Fulgent Genetics
Classification: Uncertain significance for LEOPARD syndrome 1; Metachondromatosis; Noonan syndrome 1; Juvenile myelomonocytic leukemia. Last evaluated: 2024-02-27. Review status: criteria provided, single submitter. Criteria: ACMG Guidelines, 2015. Collection method: clinical testing. Allele origin: germline.

GeneDx
Classification: Uncertain significance. Last evaluated: 2023-11-13. Review status: criteria provided, single submitter. Criteria: GeneDx Variant Classification Process June 2021. Collection method: clinical testing. Allele origin: germline. Affected: yes.
Comment: Not observed at significant frequency in large population cohorts (gnomAD); Missense variants in this gene are a common cause of disease and they are underrepresented in the general population; In silico analysis supports that this missense variant has a deleterious effect on protein structure/function; Has not been previously reported as a pathogenic or benign germline variant to our knowledge; This variant is associated with the following publications: (PMID: 29493581, 37445722)

AiLife Diagnostics
Classification: Uncertain significance. Last evaluated: 2021-11-20. Review status: criteria provided, single submitter. Criteria: ACMG Guidelines, 2015. Collection method: clinical testing. Allele origin: germline. Affected: yes. Observed: 1 variant allele.

Labcorp Genetics (formerly Invitae), Labcorp
Classification: Uncertain significance for RASopathy. Last evaluated: 2021-05-07. Review status: criteria provided, single submitter. Criteria: Invitae Variant Classification Sherloc (09022015). Collection method: clinical testing. Allele origin: germline.
Comment: In summary, the available evidence is currently insufficient to determine the role of this variant in disease. Therefore, it has been classified as a Variant of Uncertain Significance. Advanced modeling of protein sequence and biophysical properties (such as structural, functional, and spatial information, amino acid conservation, physicochemical variation, residue mobility, and thermodynamic stability) performed at Invitae indicates that this missense variant is expected to disrupt PTPN11 protein function. This variant has been observed in individual(s) with clinical features of PTPN11-related conditions (Invitae). This variant is not present in population databases (ExAC no frequency). This sequence change replaces glutamine with glutamic acid at codon 500 of the PTPN11 protein (p.Gln500Glu). The glutamine residue is highly conserved and there is a small physicochemical difference between glutamine and glutamic acid.